The following is an entry in ClinVar:

ClinVar aggregate classification (germline): Uncertain significance. Review status: criteria provided, multiple submitters, no conflicts (2 of 4 stars). 2 submissions from 2 submitters: Uncertain significance (2). Last evaluated 2023-12-01.

Conditions:
Frontotemporal dementia and/or amyotrophic lateral sclerosis 4. Also called: FTDALS4. Identifiers: Orphanet 275872, MedGen C4225325, MONDO:0014641, OMIM 616439.

Allele frequency attached by ClinVar (database versions not stated): gnomAD exomes 0.00001; ExAC 0.00002; gnomAD 0.00003; TOPMed 0.00003.

Submissions (2):

CeGaT Center for Human Genetics Tuebingen
Classification: Uncertain significance. Last evaluated: 2023-12-01. Review status: criteria provided, single submitter. Criteria: CeGaT Center For Human Genetics Tuebingen Variant Classification Criteria Version 2. Collection method: clinical testing. Allele origin: germline. Affected: yes. Observed: 1 variant allele.

Labcorp Genetics (formerly Invitae), Labcorp
Classification: Uncertain significance for Frontotemporal dementia and/or amyotrophic lateral sclerosis 4. Last evaluated: 2020-11-16. Review status: criteria provided, single submitter. Criteria: Invitae Variant Classification Sherloc (09022015). Collection method: clinical testing. Allele origin: germline.
Comment: In summary, the available evidence is currently insufficient to determine the role of this variant in disease. Therefore, it has been classified as a Variant of Uncertain Significance. Algorithms developed to predict the effect of missense changes on protein structure and function (SIFT, PolyPhen-2, Align-GVGD) all suggest that this variant is likely to be tolerated, but these predictions have not been confirmed by published functional studies and their clinical significance is uncertain. This variant has not been reported in the literature in individuals with TBK1-related conditions. This variant is present in population databases (rs765585935, ExAC 0.003%). This sequence change replaces valine with alanine at codon 726 of the TBK1 protein (p.Val726Ala). The valine residue is highly conserved and there is a small physicochemical difference between valine and alanine.

NM_013254.4(TBK1):c.2177T>C (p.Val726Ala)

Gene: TBK1 (TANK binding kinase 1; plus strand). Cytogenetic location: 12q14.2.
Variant type: single nucleotide variant.
Coding change: c.2177T>C on transcript NM_013254.4 (MANE Select); coding-DNA position 2177, T replaced by C.
Protein change: p.Val726Ala; replaces valine 726 with alanine.
Molecular consequence: missense variant.
Genome position (GRCh38, 1-based): chr12:64,501,368, T>C. VCF-style: chr12-64501368-T-C. GRCh37 (hg19) VCF-style: chr12-64895148-T-C.
Other names: c.2177T>C, p.Val726Ala (LRG_1306t1); short protein forms V726A.
Identifiers: ClinVar variation 573808 (VCV000573808.30), dbSNP rs765585935, ClinGen allele CA6669290.